The following is an entry in ClinVar:

NM_001365536.1(SCN9A):c.1691T>A (p.Ile564Lys)

Genes: SCN9A (sodium voltage-gated channel alpha subunit 9; minus strand), SCN1A-AS1 (SCN1A and SCN9A antisense RNA 1; plus strand). Cytogenetic location: 2q24.3.
Variant type: single nucleotide variant.
Coding change: c.1691T>A on transcript NM_001365536.1 (MANE Select); coding-DNA position 1691, T replaced by A.
Protein change: p.Ile564Lys; replaces isoleucine 564 with lysine.
Molecular consequence: missense variant.
Genome position (GRCh38, 1-based): chr2:166,284,736, A>T on the plus strand (T>A on the coding strand, the complement: SCN9A is on the minus strand). VCF-style: chr2-166284736-A-T. GRCh37 (hg19) VCF-style: chr2-167141246-A-T.
Other names: c.1691T>A, p.Ile564Lys (NM_002977.4); short protein forms I564K.
Identifiers: ClinVar variation 2941365 (VCV002941365.3), dbSNP rs777036338, ClinGen allele CA349083763.

ClinVar aggregate classification (germline): Uncertain significance (1 of 4 stars; one submission).

Conditions:
Neuropathy, hereditary sensory and autonomic, type 2A (HSAN2A). Also called: ACROOSTEOLYSIS, GIACCAI TYPE; ACROOSTEOLYSIS, NEUROGENIC; MORVAN DISEASE; NEUROPATHY, CONGENITAL SENSORY; NEUROPATHY, HEREDITARY SENSORY RADICULAR, AUTOSOMAL RECESSIVE; NEUROPATHY, HEREDITARY SENSORY, TYPE IIA. Identifiers: Orphanet 970, MedGen C2752089, MONDO:0024309, OMIM 201300.
Generalized epilepsy with febrile seizures plus, type 7 (GEFSP7). Also called: GEFS+, TYPE 7. Identifiers: Orphanet 36387, MedGen C2751778, MONDO:0013470, OMIM 613863.

Submission:

Labcorp Genetics (formerly Invitae), Labcorp
Classification: Uncertain significance for Neuropathy, hereditary sensory and autonomic, type 2A; Generalized epilepsy with febrile seizures plus, type 7. Last evaluated: 2022-11-07. Review status: criteria provided, single submitter. Criteria: Invitae Variant Classification Sherloc (09022015). Collection method: clinical testing. Allele origin: germline.
Comment: This sequence change replaces isoleucine, which is neutral and non-polar, with lysine, which is basic and polar, at codon 564 of the SCN9A protein (p.Ile564Lys). This variant is not present in population databases (gnomAD no frequency). This variant has not been reported in the literature in individuals affected with SCN9A-related conditions. Advanced modeling of protein sequence and biophysical properties (such as structural, functional, and spatial information, amino acid conservation, physicochemical variation, residue mobility, and thermodynamic stability) performed at Invitae indicates that this missense variant is not expected to disrupt SCN9A protein function. In summary, the available evidence is currently insufficient to determine the role of this variant in disease. Therefore, it has been classified as a Variant of Uncertain Significance.